The following is an entry in ClinVar:

ClinVar aggregate classification (germline): Uncertain significance. Review status: criteria provided, multiple submitters, no conflicts (2 of 4 stars). 3 submissions from 3 submitters: Uncertain significance (2). 1 of the submissions does not count toward it. Last evaluated 2024-09-04.

Conditions:
PLXNA2-related disorder. Also called: PLXNA2-related condition.

gnomAD v4.1: 10 of 1,614,186 alleles (0.00062%); highest among the groups gnomAD compares: East Asian, 0.011%; no homozygotes.

Submissions (3):

Ambry Genetics
Classification: Uncertain significance. Last evaluated: 2024-09-04. Review status: criteria provided, single submitter. Criteria: Ambry Variant Classification Scheme 2023. Collection method: clinical testing. Allele origin: germline.

Labcorp Genetics (formerly Invitae), Labcorp
Classification: Uncertain significance. Last evaluated: 2024-03-15. Review status: criteria provided, single submitter. Criteria: Invitae Variant Classification Sherloc (09022015). Collection method: clinical testing. Allele origin: germline.
Comment: This sequence change replaces glutamine, which is neutral and polar, with lysine, which is basic and polar, at codon 372 of the PLXNA2 protein (p.Gln372Lys). This variant is present in population databases (rs748904410, gnomAD 0.03%). This variant has not been reported in the literature in individuals affected with PLXNA2-related conditions. Advanced modeling of protein sequence and biophysical properties (such as structural, functional, and spatial information, amino acid conservation, physicochemical variation, residue mobility, and thermodynamic stability) performed at Invitae indicates that this missense variant is not expected to disrupt PLXNA2 protein function with a negative predictive value of 80%. In summary, the available evidence is currently insufficient to determine the role of this variant in disease. Therefore, it has been classified as a Variant of Uncertain Significance.

PreventionGenetics, part of Exact Sciences
Classification: Uncertain significance for PLXNA2-related condition. Last evaluated: 2024-03-22. Review status: no assertion criteria provided. Collection method: clinical testing. Allele origin: germline. Not counted in ClinVar's aggregate classification.
Comment: The PLXNA2 c.1114C>A variant is predicted to result in the amino acid substitution p.Gln372Lys. To our knowledge, this variant has not been reported in the literature. This variant is reported in 0.038% of alleles in individuals of East Asian descent in gnomAD. At this time, the clinical significance of this variant is uncertain due to the absence of conclusive functional and genetic evidence.

NM_025179.4(PLXNA2):c.1114C>A (p.Gln372Lys)

Gene: PLXNA2 (plexin A2; minus strand). Cytogenetic location: 1q32.2.
Variant type: single nucleotide variant.
Coding change: c.1114C>A on transcript NM_025179.4 (MANE Select); coding-DNA position 1114, C replaced by A.
Protein change: p.Gln372Lys; replaces glutamine 372 with lysine.
Molecular consequence: missense variant.
Genome position (GRCh38, 1-based): chr1:208,216,809, G>T on the plus strand (C>A on the coding strand, the complement: PLXNA2 is on the minus strand). VCF-style: chr1-208216809-G-T. GRCh37 (hg19) VCF-style: chr1-208390154-G-T.
Other names: short protein forms Q372K.
Identifiers: ClinVar variation 3355891 (VCV003355891.4).